The following is an entry in ClinVar:

NM_001844.5(COL2A1):c.547A>G (p.Met183Val)

Gene: COL2A1 (collagen type II alpha 1 chain; minus strand). Cytogenetic location: 12q13.11.
Variant type: single nucleotide variant.
Coding change: c.547A>G on transcript NM_001844.5 (MANE Select); coding-DNA position 547, A replaced by G.
Protein change: p.Met183Val; replaces methionine 183 with valine.
Molecular consequence: missense variant.
Genome position (GRCh38, 1-based): chr12:47,996,610, T>C on the plus strand (A>G on the coding strand, the complement: COL2A1 is on the minus strand). VCF-style: chr12-47996610-T-C. GRCh37 (hg19) VCF-style: chr12-48390393-T-C.
Other names: c.340A>G, p.Met114Val (NM_033150.3); short protein forms M114V, M183V.
Identifiers: ClinVar variation 1697044 (VCV001697044.3), dbSNP rs1939974978, ClinGen allele CA384524259.

ClinVar aggregate classification (germline): Uncertain significance. Review status: criteria provided, multiple submitters, no conflicts (2 of 4 stars). 2 submissions from 2 submitters: Uncertain significance (2). Last evaluated 2022-01-14.

Allele frequency attached by ClinVar (database versions not stated): gnomAD exomes below 0.00001; gnomAD 0.00001.

Submissions (2):

GeneDx
Classification: Uncertain significance. Last evaluated: 2022-01-14. Review status: criteria provided, single submitter. Criteria: GeneDx Variant Classification Process June 2021. Collection method: clinical testing. Allele origin: germline. Affected: yes.
Comment: Has not been previously published as pathogenic or benign to our knowledge; Not observed at significant frequency in large population cohorts (gnomAD); In silico analysis supports that this missense variant does not alter protein structure/function; Not located in the triple helical region, where the majority of pathogenic missense variants occur (Stenson et al., 2014)

Blueprint Genetics
Classification: Uncertain significance. Last evaluated: 2019-09-24. Review status: criteria provided, single submitter. Criteria: ACMG Guidelines, 2015. Collection method: clinical testing. Allele origin: germline.